The following is an entry in ClinVar:

NM_000368.5(TSC1):c.2253G>T (p.Lys751Asn)

Gene: TSC1 (TSC complex subunit 1; minus strand). Cytogenetic location: 9q34.13.
Variant type: single nucleotide variant.
Coding change: c.2253G>T on transcript NM_000368.5 (MANE Select); coding-DNA position 2253, G replaced by T.
Protein change: p.Lys751Asn; replaces lysine 751 with asparagine.
Molecular consequence: missense variant.
Genome position (GRCh38, 1-based): chr9:132,902,743, C>A on the plus strand (G>T on the coding strand, the complement: TSC1 is on the minus strand). VCF-style: chr9-132902743-C-A. GRCh37 (hg19) VCF-style: chr9-135778130-C-A.
Other names: c.2250G>T, p.Lys750Asn (NM_001162426.2); c.2100G>T, p.Lys700Asn (NM_001162427.2); c.1890G>T, p.Lys630Asn (NM_001362177.2); short protein forms K751N, K750N, K630N, K700N.
Identifiers: ClinVar variation 835742 (VCV000835742.10), dbSNP rs1845453410, ClinGen allele CA375359887.

ClinVar aggregate classification (germline): Uncertain significance. Review status: criteria provided, multiple submitters, no conflicts (2 of 4 stars). 2 submissions from 2 submitters: Uncertain significance (2). Last evaluated 2024-10-14.

Conditions:
Hereditary cancer-predisposing syndrome. Also called: Neoplastic Syndromes, Hereditary; Hereditary neoplastic syndrome; Tumor predisposition; Hereditary Cancer Syndrome. Identifiers: Orphanet 140162, MedGen C0027672, MeSH D009386, MONDO:0015356.
Tuberous sclerosis 1 (TSC1). Identifiers: Orphanet 805, MedGen C1854465, MONDO:0008612, OMIM 191100.

Allele frequency attached by ClinVar (database versions not stated): gnomAD exomes below 0.00001.
gnomAD v4.1: 1 of 1,614,084 alleles (0.000062%); highest among the groups gnomAD compares: Non-Finnish European, 0.000085%; no homozygotes.

Submissions (2):

Ambry Genetics
Classification: Uncertain significance for Hereditary cancer-predisposing syndrome. Last evaluated: 2024-10-14. Review status: criteria provided, single submitter. Criteria: Ambry Variant Classification Scheme 2023. Collection method: clinical testing. Allele origin: germline.
Comment: The p.K751N variant (also known as c.2253G>T), located in coding exon 16 of the TSC1 gene, results from a G to T substitution at nucleotide position 2253. The lysine at codon 751 is replaced by asparagine, an amino acid with similar properties. This amino acid position is conserved. In addition, this alteration is predicted to be tolerated by in silico analysis. Based on the available evidence, the clinical significance of this variant remains unclear.

Labcorp Genetics (formerly Invitae), Labcorp
Classification: Uncertain significance for Tuberous sclerosis 1. Last evaluated: 2021-02-23. Review status: criteria provided, single submitter. Criteria: Invitae Variant Classification Sherloc (09022015). Collection method: clinical testing. Allele origin: germline.
Comment: In summary, the available evidence is currently insufficient to determine the role of this variant in disease. Therefore, it has been classified as a Variant of Uncertain Significance. Algorithms developed to predict the effect of missense changes on protein structure and function are either unavailable or do not agree on the potential impact of this missense change (SIFT: "Tolerated"; PolyPhen-2: "Probably Damaging"; Align-GVGD: "Class C0"). This sequence change replaces lysine with asparagine at codon 751 of the TSC1 protein (p.Lys751Asn). The lysine residue is highly conserved and there is a moderate physicochemical difference between lysine and asparagine. This variant has not been reported in the literature in individuals with TSC1-related conditions. This variant is not present in population databases (ExAC no frequency).